The following is an entry in ClinVar:

NM_001376.5(DYNC1H1):c.10682G>C (p.Arg3561Pro)

Gene: DYNC1H1 (dynein cytoplasmic 1 heavy chain 1; plus strand). Cytogenetic location: 14q32.31.
Variant type: single nucleotide variant.
Coding change: c.10682G>C on transcript NM_001376.5 (MANE Select); coding-DNA position 10682, G replaced by C.
Protein change: p.Arg3561Pro; replaces arginine 3561 with proline.
Molecular consequence: missense variant.
Genome position (GRCh38, 1-based): chr14:102,034,380, G>C. VCF-style: chr14-102034380-G-C. GRCh37 (hg19) VCF-style: chr14-102500717-G-C.
Other names: short protein forms R3561P.
Identifiers: ClinVar variation 1197526 (VCV001197526.2), dbSNP rs1064796932, ClinGen allele CA391028161.
Genomic context (GRCh38, chr14:102,034,380, plus strand): 5'-TTCAGTTCCGTACAGATATTGCCAGGACGGAATACCTTTCCAATGCTGATGAGCGTCTTC[G>C]CTGGCAGGCCAGCTCCTTGCCTGCTGATGACCTTTGCACAGAAAATGCCATCATGCTGAA-3'
Protein context (NP_001367.2, residues 3551-3571): EYLSNADERL[Arg3561Pro]WQASSLPADD

ClinVar aggregate classification (germline): Uncertain significance (1 of 4 stars; one submission).

gnomAD v4.1: 1 of 1,614,074 alleles (0.000062%); highest among the groups gnomAD compares: African/African-American, 0.0013%; no homozygotes.

Submission:

GeneDx
Classification: Uncertain significance. Last evaluated: 2019-06-05. Review status: criteria provided, single submitter. Criteria: GeneDx Variant Classification Process June 2021. Collection method: clinical testing. Allele origin: germline. Affected: yes.
Comment: Not observed in large population cohorts (Lek et al., 2016); Has not been previously published as pathogenic or benign to our knowledge; In silico analysis, which includes protein predictors and evolutionary conservation, supports a deleterious effect. In addition, in silico splice predictors suggest this variant may impact gene splicing. In the absence of RNA/functional studies, the actual effect of this sequence change is unknown